The following is an entry in ClinVar:

ClinVar aggregate classification (germline): Benign. Review status: criteria provided, multiple submitters, no conflicts (2 of 4 stars). 2 submissions from 2 submitters: Benign (2). Last evaluated 2025-08-01.

Allele frequency attached by ClinVar (database versions not stated): 1000 Genomes Project 0.00220; gnomAD 0.00349 and 0.00350; ExAC 0.00385; gnomAD exomes 0.00400 and 0.00182; TOPMed 0.00032; ESP Exome Variant Server 0.00038; 1000 Genomes Project 30x 0.00187.
gnomAD v4.1: 3,209 of 1,614,170 alleles (0.2%); highest among the groups gnomAD compares: East Asian, 0.66%; 53 homozygotes.

Submissions (2):

CeGaT Center for Human Genetics Tuebingen
Classification: Benign. Last evaluated: 2025-08-01. Review status: criteria provided, single submitter. Criteria: CeGaT Center For Human Genetics Tuebingen Variant Classification Criteria Version 2. Collection method: clinical testing. Allele origin: germline. Affected: yes. Observed: 3 variant alleles.
Comment: CHAMP1: BP4, BS1, BS2

Labcorp Genetics (formerly Invitae), Labcorp
Classification: Benign. Last evaluated: 2019-12-31. Review status: criteria provided, single submitter. Criteria: Invitae Variant Classification Sherloc (09022015). Collection method: clinical testing. Allele origin: germline.

NM_032436.4(CHAMP1):c.1702C>G (p.Leu568Val)

Gene: CHAMP1 (chromosome alignment maintaining phosphoprotein 1; plus strand). Cytogenetic location: 13q34.
Variant type: single nucleotide variant.
Coding change: c.1702C>G on transcript NM_032436.4 (MANE Select); coding-DNA position 1702, C replaced by G.
Protein change: p.Leu568Val; replaces leucine 568 with valine.
Molecular consequence: missense variant.
Genome position (GRCh38, 1-based): chr13:114,325,544, C>G. VCF-style: chr13-114325544-C-G. GRCh37 (hg19) VCF-style: chr13-115091019-C-G.
Other names: c.1702C>G, p.Leu568Val (NM_001164144.3, NM_001164145.3); short protein forms L568V.
Identifiers: ClinVar variation 739179 (VCV000739179.28), dbSNP rs3764522, ClinGen allele CA7070869.